The following is an entry in ClinVar:

ClinVar aggregate classification (germline): Uncertain significance (1 of 4 stars; one submission).

Submission:

Greenwood Genetic Center Diagnostic Laboratories, Greenwood Genetic Center
Classification: Uncertain significance. Last evaluated: 2023-09-06. Review status: criteria provided, single submitter. Criteria: ACMG Guidelines, 2015. Collection method: clinical testing. Allele origin: germline. Affected: yes.
Comment: PM2, BP4, PP2

NM_153252.5(BRWD3):c.2691G>T (p.Arg897Ser)

Gene: BRWD3 (bromodomain and WD repeat domain containing 3; minus strand). Cytogenetic location: Xq21.1.
Variant type: single nucleotide variant.
Coding change: c.2691G>T on transcript NM_153252.5 (MANE Select); coding-DNA position 2691, G replaced by T.
Protein change: p.Arg897Ser; replaces arginine 897 with serine.
Molecular consequence: missense variant.
Genome position (GRCh38, 1-based): chrX:80,704,708, C>A on the plus strand (G>T on the coding strand, the complement: BRWD3 is on the minus strand). VCF-style: chrX-80704708-C-A. GRCh37 (hg19) VCF-style: chrX-79960207-C-A.
Other names: short protein forms R897S.
Identifiers: ClinVar variation 2626924 (VCV002626924.1), dbSNP rs2520270330, ClinGen allele CA413626453.